The following is an entry in ClinVar:

NM_002473.6(MYH9):c.5722G>A (p.Asp1908Asn)

Gene: MYH9 (myosin heavy chain 9; minus strand). Cytogenetic location: 22q12.3.
Variant type: single nucleotide variant.
Coding change: c.5722G>A on transcript NM_002473.6 (MANE Select); coding-DNA position 5722, G replaced by A.
Protein change: p.Asp1908Asn; replaces aspartic acid 1908 with asparagine.
Molecular consequence: missense variant.
Genome position (GRCh38, 1-based): chr22:36,284,136, C>T on the plus strand (G>A on the coding strand, the complement: MYH9 is on the minus strand). VCF-style: chr22-36284136-C-T. GRCh37 (hg19) VCF-style: chr22-36680182-C-T.
Other names: short protein forms D1908N.
Identifiers: ClinVar variation 2903357 (VCV002903357.3), dbSNP rs1226192819, ClinGen allele CA411372487.

ClinVar aggregate classification (germline): Uncertain significance (1 of 4 stars; one submission).

Allele frequency attached by ClinVar (database versions not stated): TOPMed 0.00002; gnomAD 0.00001; gnomAD exomes below 0.00001.
gnomAD v4.1: 5 of 1,614,084 alleles (0.00031%); highest among the groups gnomAD compares: African/African-American, 0.004%; no homozygotes.

Submission:

Labcorp Genetics (formerly Invitae), Labcorp
Classification: Uncertain significance. Last evaluated: 2025-03-17. Review status: criteria provided, single submitter. Criteria: Invitae Variant Classification Sherloc (09022015). Collection method: clinical testing. Allele origin: germline.
Comment: This sequence change replaces aspartic acid, which is acidic and polar, with asparagine, which is neutral and polar, at codon 1908 of the MYH9 protein (p.Asp1908Asn). This variant is not present in population databases (gnomAD no frequency). This variant has not been reported in the literature in individuals affected with MYH9-related conditions. ClinVar contains an entry for this variant (Variation ID: 2903357). Invitae Evidence Modeling of protein sequence and biophysical properties (such as structural, functional, and spatial information, amino acid conservation, physicochemical variation, residue mobility, and thermodynamic stability) indicates that this missense variant is not expected to disrupt MYH9 protein function with a negative predictive value of 95%. In summary, the available evidence is currently insufficient to determine the role of this variant in disease. Therefore, it has been classified as a Variant of Uncertain Significance.